The following is an entry in ClinVar:

ClinVar aggregate classification (germline): Likely benign. Review status: reviewed by expert panel (3 of 4 stars). 15 submissions from 14 submitters: Likely benign (1). 14 of the submissions do not count toward it. Last evaluated 2017-06-29.

Conditions:
BRCA2-related disorder. Also called: BRCA2-related condition; BRCA2-related disorders. Identifiers: MedGen CN239275.
Hereditary cancer-predisposing syndrome. Also called: Neoplastic Syndromes, Hereditary; Hereditary Cancer Syndrome; Tumor predisposition; Hereditary neoplastic syndrome. Identifiers: Orphanet 140162, MedGen C0027672, MeSH D009386, MONDO:0015356.
Hereditary breast ovarian cancer syndrome. Also called: BRCA1- and BRCA2-Associated Hereditary Breast and Ovarian Cancer; Hereditary breast and ovarian cancer syndrome (HBOC); Hereditary breast and ovarian cancer syndrome; Hereditary breast and ovarian cancer; Hereditary breast and/or ovarian cancer syndrome; Breast and ovarian cancer. Identifiers: Orphanet 145, MedGen C0677776, MeSH D061325, MONDO:0003582. Disease mechanism: loss of function.
Breast-ovarian cancer, familial, susceptibility to, 2 (BROVCA2). Also called: BRCA2 Hereditary Breast and Ovarian Cancer. Identifiers: Orphanet 145, MedGen C2675520, MONDO:0012933, OMIM 612555. Disease mechanism: loss of function.
Familial cancer of breast. Also called: Hereditary breast cancer; hereditary breast carcinoma; BREAST CANCER, FAMILIAL. Identifiers: Orphanet 227535, MedGen C0346153, MONDO:0016419, OMIM 114480. Disease mechanism: loss of function.

Allele frequency attached by ClinVar (database versions not stated): ExAC 0.00001.
gnomAD v4.1: 11 of 1,614,086 alleles (0.00068%); highest among the groups gnomAD compares: Middle Eastern, 0.099%; 1 homozygote.

Submissions (15):

Evidence-based Network for the Interpretation of Germline Mutant Alleles (ENIGMA)
Classification: Likely benign for Breast-ovarian cancer, familial, susceptibility to, 2. Last evaluated: 2017-06-29. Review status: reviewed by expert panel. Criteria: ENIGMA BRCA1/2 Classification Criteria (2017-06-29). Collection method: curation. Allele origin: germline.
Comment: Synonymous substitution variant, with low bioinformatic likelihood to result in a splicing aberration (Splicing prior probability 0.02).

Labcorp Genetics (formerly Invitae), Labcorp
Classification: Likely benign for Hereditary breast ovarian cancer syndrome. Last evaluated: 2025-10-29. Review status: criteria provided, single submitter. Criteria: Invitae Variant Classification Sherloc (09022015). Collection method: clinical testing. Allele origin: germline. Not counted in ClinVar's aggregate classification.

KCCC/NGS Laboratory, Kuwait Cancer Control Center
Classification: Benign for Familial cancer of breast. Last evaluated: 2025-02-01. Review status: criteria provided, single submitter. Criteria: ACMG Guidelines, 2015. Collection method: clinical testing. Allele origin: germline. Affected: no. Not counted in ClinVar's aggregate classification.

CeGaT Center for Human Genetics Tuebingen
Classification: Likely benign. Last evaluated: 2025-01-01. Review status: criteria provided, single submitter. Criteria: CeGaT Center For Human Genetics Tuebingen Variant Classification Criteria Version 2. Collection method: clinical testing. Allele origin: germline. Affected: yes. Observed: 1 variant allele. Not counted in ClinVar's aggregate classification.
Comment: BRCA2: BP4, BP7

All of Us Research Program, National Institutes of Health
Classification: Likely benign for Breast-ovarian cancer, familial, susceptibility to, 2. Last evaluated: 2023-11-20. Review status: criteria provided, single submitter. Criteria: ACMG Guidelines, 2015. Collection method: clinical testing. Allele origin: germline. Inheritance: Autosomal dominant inheritance. Observed: 2 variant alleles, 2 heterozygotes. Not counted in ClinVar's aggregate classification.
Comment: This study involves interpretation of variants in research participants for the purpose of population health screening. Participant phenotype was not available at the time of variant classification. Additional details can be found in publication PMID: 35346344, PMCID: PMC8962531

KCCC/NGS Laboratory, Kuwait Cancer Control Center
Classification: Likely benign for Breast-ovarian cancer, familial, susceptibility to, 2. Last evaluated: 2023-07-07. Review status: criteria provided, single submitter. Criteria: ACMG Guidelines, 2015. Collection method: clinical testing. Allele origin: germline. Affected: yes. Not counted in ClinVar's aggregate classification.

Blueprint Genetics
Classification: Likely benign. Last evaluated: 2022-11-11. Review status: criteria provided, single submitter. Criteria: ACMG Guidelines, 2015. Collection method: clinical testing. Allele origin: germline. Not counted in ClinVar's aggregate classification.

GeneDx
Classification: Likely benign. Last evaluated: 2020-11-18. Review status: criteria provided, single submitter. Criteria: GeneDx Variant Classification Process June 2021. Collection method: clinical testing. Allele origin: germline. Affected: yes. Not counted in ClinVar's aggregate classification.
Comment: This variant is associated with the following publications: (PMID: 20683152, 22684231, 28814288)

Quest Diagnostics Nichols Institute San Juan Capistrano
Classification: Benign. Last evaluated: 2018-04-25. Review status: criteria provided, single submitter. Criteria: Quest Diagnostics criteria. Collection method: clinical testing. Allele origin: germline. Not counted in ClinVar's aggregate classification.

Color Diagnostics, LLC DBA Color Health
Classification: Likely benign for Hereditary cancer-predisposing syndrome. Last evaluated: 2017-11-23. Review status: criteria provided, single submitter. Criteria: ACMG Guidelines, 2015. Collection method: clinical testing. Allele origin: germline. Not counted in ClinVar's aggregate classification.

Molecular Genetics Laboratory, University of Michigan
Classification: Likely benign for Breast-ovarian cancer, familial, susceptibility to, 2. Last evaluated: 2016-04-21. Review status: criteria provided, single submitter. Criteria: ACMG Guidelines, 2015. Collection method: clinical testing. Allele origin: germline. Affected: yes. Not counted in ClinVar's aggregate classification.

Ambry Genetics
Classification: Likely benign for Hereditary cancer-predisposing syndrome. Last evaluated: 2015-02-18. Review status: criteria provided, single submitter. Criteria: Ambry Variant Classification Scheme 2023. Collection method: clinical testing. Allele origin: germline. Not counted in ClinVar's aggregate classification.

University of Science and Technology Houari Boumediene, Laboratory of Molecular and Cellular Biology (LBCM)
Classification: Benign for Breast-ovarian cancer, familial, susceptibility to, 2. Review status: criteria provided, single submitter. Criteria: ACMG Guidelines, 2015. Collection method: clinical testing. Allele origin: germline. Affected: yes. Observed: 1 heterozygote. Not counted in ClinVar's aggregate classification.

PreventionGenetics, part of Exact Sciences
Classification: Likely benign for BRCA2-related condition. Last evaluated: 2024-09-27. Review status: no assertion criteria provided. Collection method: clinical testing. Allele origin: germline. Not counted in ClinVar's aggregate classification.
Comment: This variant is classified as likely benign based on ACMG/AMP sequence variant interpretation guidelines (Richards et al. 2015 PMID: 25741868, with internal and published modifications).

BRCAlab, Lund University
Classification: Likely benign for Breast-ovarian cancer, familial, susceptibility to, 2. Last evaluated: 2020-03-02. Review status: no assertion criteria provided. Collection method: clinical testing. Allele origin: germline. Affected: yes. Not counted in ClinVar's aggregate classification.

Literature cited by the submitters: PubMed 20683152 (cited by Ambry Genetics and University of Science and Technology Houari Boumediene, Laboratory of Molecular and Cellular Biology (LBCM)); PubMed 22684231 (cited by University of Science and Technology Houari Boumediene, Laboratory of Molecular and Cellular Biology (LBCM)).

NM_000059.4(BRCA2):c.5976A>G (p.Ser1992=)

Gene: BRCA2 (BRCA2 DNA repair associated; plus strand). Cytogenetic location: 13q13.1.
Variant type: single nucleotide variant.
Coding change: c.5976A>G on transcript NM_000059.4 (MANE Select); coding-DNA position 5976, A replaced by G.
Protein change: p.Ser1992=; no amino-acid change (serine 1992 retained).
Molecular consequence: synonymous variant.
Genome position (GRCh38, 1-based): chr13:32,340,331, A>G. VCF-style: chr13-32340331-A-G. GRCh37 (hg19) VCF-style: chr13-32914468-A-G.
Identifiers: ClinVar variation 225746 (VCV000225746.46), dbSNP rs748854546, ClinGen allele CA6940919.